The following is an entry in ClinVar:

ClinVar aggregate classification (germline): Uncertain significance. Review status: criteria provided, multiple submitters, no conflicts (2 of 4 stars). 2 submissions from 2 submitters: Uncertain significance (2). Last evaluated 2024-04-20.

Conditions:
Donnai-Barrow syndrome. Also called: DBS/FOAR SYNDROME; FACIOOCULOACOUSTICORENAL SYNDROME. Identifiers: Orphanet 2143, MedGen C1857277, MONDO:0009104, OMIM 222448.

Allele frequency attached by ClinVar (database versions not stated): gnomAD exomes below 0.00001; gnomAD 0.00001; ExAC 0.00002; TOPMed 0.00002; ESP Exome Variant Server 0.00008.
gnomAD v4.1: 2 of 1,614,134 alleles (0.00012%); highest among the groups gnomAD compares: African/African-American, 0.0027%; no homozygotes.

Submissions (2):

Fulgent Genetics
Classification: Uncertain significance for Donnai-Barrow syndrome. Last evaluated: 2024-04-20. Review status: criteria provided, single submitter. Criteria: ACMG Guidelines, 2015. Collection method: clinical testing. Allele origin: germline.

Labcorp Genetics (formerly Invitae), Labcorp
Classification: Uncertain significance. Last evaluated: 2022-04-11. Review status: criteria provided, single submitter. Criteria: Invitae Variant Classification Sherloc (09022015). Collection method: clinical testing. Allele origin: germline.
Comment: This sequence change replaces aspartic acid, which is acidic and polar, with glycine, which is neutral and non-polar, at codon 1097 of the LRP2 protein (p.Asp1097Gly). This variant is present in population databases (rs373480618, gnomAD 0.01%). In summary, the available evidence is currently insufficient to determine the role of this variant in disease. Therefore, it has been classified as a Variant of Uncertain Significance. Algorithms developed to predict the effect of sequence changes on RNA splicing suggest that this variant may disrupt the consensus splice site. Advanced modeling of protein sequence and biophysical properties (such as structural, functional, and spatial information, amino acid conservation, physicochemical variation, residue mobility, and thermodynamic stability) performed at Invitae indicates that this missense variant is expected to disrupt LRP2 protein function. This variant has not been reported in the literature in individuals affected with LRP2-related conditions.

NM_004525.3(LRP2):c.3290A>G (p.Asp1097Gly)

Gene: LRP2 (LDL receptor related protein 2; minus strand). Cytogenetic location: 2q31.1.
Variant type: single nucleotide variant.
Coding change: c.3290A>G on transcript NM_004525.3 (MANE Select); coding-DNA position 3290, A replaced by G.
Protein change: p.Asp1097Gly; replaces aspartic acid 1097 with glycine.
Molecular consequence: missense variant.
Genome position (GRCh38, 1-based): chr2:169,244,833, T>C on the plus strand (A>G on the coding strand, the complement: LRP2 is on the minus strand). VCF-style: chr2-169244833-T-C. GRCh37 (hg19) VCF-style: chr2-170101343-T-C.
Other names: short protein forms D1097G.
Identifiers: ClinVar variation 1918281 (VCV001918281.6), dbSNP rs373480618, ClinGen allele CA1955067.